The following is an entry in ClinVar:

NM_005523.6(HOXA11):c.124C>G (p.Pro42Ala)

Genes: HOXA11 (homeobox A11; minus strand), LOC107126281 (NUP98-HOXA11 recombination region; plus strand). Cytogenetic location: 7p15.2.
Variant type: single nucleotide variant.
Coding change: c.124C>G on transcript NM_005523.6 (MANE Select); coding-DNA position 124, C replaced by G.
Protein change: p.Pro42Ala; replaces proline 42 with alanine.
Molecular consequence: missense variant.
Genome position (GRCh38, 1-based): chr7:27,185,021, G>C on the plus strand (C>G on the coding strand, the complement: HOXA11 is on the minus strand). VCF-style: chr7-27185021-G-C. GRCh37 (hg19) VCF-style: chr7-27224640-G-C.
Other names: short protein forms P42A.
Identifiers: ClinVar variation 2632062 (VCV002632062.2), dbSNP rs373928992, ClinGen allele CA4198493.

ClinVar aggregate classification (germline): Uncertain significance. Review status: criteria provided, multiple submitters, no conflicts (2 of 4 stars). 2 submissions from 2 submitters: Uncertain significance (2). Last evaluated 2024-09-09.

Conditions:
HOXA11-related disorder. Also called: HOXA11-related condition.

Allele frequency attached by ClinVar (database versions not stated): gnomAD 0.00001; gnomAD exomes 0.00001; ExAC 0.00002; TOPMed 0.00003; ESP Exome Variant Server 0.00008.
gnomAD v4.1: 7 of 1,614,088 alleles (0.00043%); highest among the groups gnomAD compares: Non-Finnish European, 0.00059%; no homozygotes.

Submissions (2):

Blueprint Genetics
Classification: Uncertain significance. Last evaluated: 2024-09-09. Review status: criteria provided, single submitter. Criteria: ACMG Guidelines, 2015. Collection method: clinical testing. Allele origin: germline.

PreventionGenetics, part of Exact Sciences
Classification: Uncertain significance for HOXA11-related condition. Last evaluated: 2023-06-01. Review status: criteria provided, single submitter. Criteria: ACMG Guidelines, 2015. Collection method: clinical testing. Allele origin: germline.
Comment: The HOXA11 c.124C>G variant is predicted to result in the amino acid substitution p.Pro42Ala. To our knowledge, this variant has not been reported in the literature or in a large population database, indicating this variant is rare. At this time, the clinical significance of this variant is uncertain due to the absence of conclusive functional and genetic evidence.